The following is an entry in ClinVar:

NM_005677.4(COLQ):c.833C>A (p.Pro278His)

Gene: COLQ (collagen like tail subunit of asymmetric acetylcholinesterase; minus strand). Cytogenetic location: 3p25.1.
Variant type: single nucleotide variant.
Coding change: c.833C>A on transcript NM_005677.4 (MANE Select); coding-DNA position 833, C replaced by A.
Protein change: p.Pro278His; replaces proline 278 with histidine.
Molecular consequence: missense variant.
Genome position (GRCh38, 1-based): chr3:15,458,307, G>T on the plus strand (C>A on the coding strand, the complement: COLQ is on the minus strand). VCF-style: chr3-15458307-G-T. GRCh37 (hg19) VCF-style: chr3-15499814-G-T.
Other names: c.803C>A, p.Pro268His (NM_080538.2); c.731C>A, p.Pro244His (NM_080539.4); short protein forms P278H, P244H, P268H.
Identifiers: ClinVar variation 972433 (VCV000972433.10), dbSNP rs1341977323, ClinGen allele CA351597443.

ClinVar aggregate classification (germline): Uncertain significance (1 of 4 stars; one submission).

Conditions:
Congenital myasthenic syndrome 5. Identifiers: Orphanet 590, MedGen C1864233, MONDO:0011281, OMIM 603034.

Allele frequency attached by ClinVar (database versions not stated): gnomAD exomes below 0.00001; TOPMed below 0.00001; gnomAD 0.00001.
gnomAD v4.1: 4 of 1,613,972 alleles (0.00025%); highest among the groups gnomAD compares: African/African-American, 0.0013%; no homozygotes.

Submission:

Labcorp Genetics (formerly Invitae), Labcorp
Classification: Uncertain significance for Congenital myasthenic syndrome 5. Last evaluated: 2023-10-03. Review status: criteria provided, single submitter. Criteria: Invitae Variant Classification Sherloc (09022015). Collection method: clinical testing. Allele origin: germline.
Comment: This sequence change replaces proline, which is neutral and non-polar, with histidine, which is basic and polar, at codon 278 of the COLQ protein (p.Pro278His). This variant is present in population databases (no rsID available, gnomAD 0.0009%). This variant has not been reported in the literature in individuals affected with COLQ-related conditions. ClinVar contains an entry for this variant (Variation ID: 972433). Advanced modeling of protein sequence and biophysical properties (such as structural, functional, and spatial information, amino acid conservation, physicochemical variation, residue mobility, and thermodynamic stability) performed at Invitae indicates that this missense variant is not expected to disrupt COLQ protein function. In summary, the available evidence is currently insufficient to determine the role of this variant in disease. Therefore, it has been classified as a Variant of Uncertain Significance.